The following is an entry in ClinVar:

NM_001018113.3(FANCB):c.1105-26TATT[5]

Gene: FANCB (FA complementation group B; minus strand). Cytogenetic location: Xp22.2.
Variant type: Microsatellite.
Coding change: c.1105-26TATT[5] on transcript NM_001018113.3 (MANE Select); five copies in a row of the 4-base unit TATT starting at c.1105-26; the reference has six copies in a row; one copy, 4 bases deleted.
Molecular consequence: intron variant.
Genome position (GRCh38, 1-based): chrX:14,857,957-14,857,960, AATA deleted on the plus strand (TATT on the coding strand, the reverse complement: FANCB is on the minus strand); deleting any 4 consecutive bases within chrX:14,857,957-14,857,980 gives the same sequence; the position shown is the placement nearest the transcript's 3' end. VCF-style (leftmost placement, unchanged base first): chrX-14857956-TAATA-T. GRCh37 (hg19) VCF-style: chrX-14876078-TAATA-T.
Other names: NC_000023.10:g.14876099_14876102del; c.1105-26TATT[5] (NM_001324162.2, NM_152633.4); c.1105-6_1105-3del (NM_001018113.1); c.1105-26_1105-23del (NM_001018113.3).
Identifiers: ClinVar variation 703318 (VCV000703318.16), dbSNP rs398123537, ClinGen allele CA10353116.

ClinVar aggregate classification (germline): Likely benign. Review status: criteria provided, multiple submitters, no conflicts (2 of 4 stars). 3 submissions from 3 submitters: Likely benign (2). 1 of the submissions does not count toward it. Last evaluated 2026-02-01.

Conditions:
Fanconi anemia (FA). Also called: Fanconi's anemia. Identifiers: Orphanet 84, MedGen C0015625, MeSH D005199, MONDO:0019391.
FANCB-related disorder. Also called: FANCB-related condition.

Submissions (4):

Labcorp Genetics (formerly Invitae), Labcorp
Classification: Likely benign for Fanconi anemia. Last evaluated: 2026-02-01. Review status: criteria provided, single submitter. Criteria: Invitae Variant Classification Sherloc (09022015). Collection method: clinical testing. Allele origin: germline.

Blueprint Genetics
Classification: Likely benign. Last evaluated: 2024-11-27. Review status: criteria provided, single submitter. Criteria: ACMG Guidelines, 2015. Collection method: clinical testing. Allele origin: germline.

PreventionGenetics, part of Exact Sciences
Classification: Likely benign for FANCB-related condition. Last evaluated: 2020-09-21. Review status: no assertion criteria provided. Collection method: clinical testing. Allele origin: germline. Not counted in ClinVar's aggregate classification.
Comment: This variant is classified as likely benign based on ACMG/AMP sequence variant interpretation guidelines (Richards et al. 2015 PMID: 25741868, with internal and published modifications).

Dr. Peter K. Rogan Lab, Western University
No classification provided (evidence only). Condition: Familial cancer of breast. Review status: no classification provided. Collection method: in vitro. Allele origin: not applicable. Functional consequence: retained intron. Not counted in ClinVar's aggregate classification.